The following is an entry in ClinVar:

ClinVar aggregate classification (germline): Uncertain significance (1 of 4 stars; one submission).

Allele frequency attached by ClinVar (database versions not stated): TOPMed 0.00001; gnomAD 0.00003; gnomAD exomes 0.00003; ExAC 0.00007.

Submission:

Labcorp Genetics (formerly Invitae), Labcorp
Classification: Uncertain significance. Last evaluated: 2022-07-27. Review status: criteria provided, single submitter. Criteria: Invitae Variant Classification Sherloc (09022015). Collection method: clinical testing. Allele origin: germline.
Comment: This sequence change replaces arginine, which is basic and polar, with glutamine, which is neutral and polar, at codon 519 of the ADAMTSL4 protein (p.Arg519Gln). This variant is present in population databases (rs764889565, gnomAD 0.008%). This variant has not been reported in the literature in individuals affected with ADAMTSL4-related conditions. Algorithms developed to predict the effect of missense changes on protein structure and function output the following: SIFT: "Tolerated"; PolyPhen-2: "Benign"; Align-GVGD: "Class C0". The glutamine amino acid residue is found in multiple mammalian species, which suggests that this missense change does not adversely affect protein function. In summary, the available evidence is currently insufficient to determine the role of this variant in disease. Therefore, it has been classified as a Variant of Uncertain Significance.

NM_019032.6(ADAMTSL4):c.1556G>A (p.Arg519Gln)

Genes: ADAMTSL4 (ADAMTS like 4; plus strand), ADAMTSL4-AS2 (ADAMTSL4 antisense RNA 2; minus strand). Cytogenetic location: 1q21.2.
Variant type: single nucleotide variant.
Coding change: c.1556G>A on transcript NM_019032.6 (MANE Select); coding-DNA position 1556, G replaced by A.
Protein change: p.Arg519Gln; replaces arginine 519 with glutamine.
Molecular consequence: missense variant.
Genome position (GRCh38, 1-based): chr1:150,556,346, G>A. VCF-style: chr1-150556346-G-A. GRCh37 (hg19) VCF-style: chr1-150528822-G-A.
Other names: c.1625G>A, p.Arg542Gln (NM_001288607.2, NM_001288608.2); c.1556G>A, p.Arg519Gln (NM_001378596.1, NM_025008.5); short protein forms R519Q, R542Q.
Identifiers: ClinVar variation 2414796 (VCV002414796.4), dbSNP rs764889565, ClinGen allele CA1078301.
Genomic context (GRCh38, chr1:150,556,346, plus strand): 5'-GCTATCAGAAGATCTTGTGGATTCCAGCGGGAGCCTTGCGGCTCCAGATTGCCCAGCTCC[G>A]GCCTAGCTCCAACTACCTGGGTGAGCACCCAGCTGCCTCCCCTTCCACTTCCGTCTCTGT-3'
Protein context (NP_061905.2, residues 509-529): GALRLQIAQL[Arg519Gln]PSSNYLALRG